The following is an entry in ClinVar:

ClinVar aggregate classification (germline): Uncertain significance (1 of 4 stars; one submission).

Submission:

GeneDx
Classification: Uncertain significance. Last evaluated: 2019-10-18. Review status: criteria provided, single submitter. Criteria: GeneDx Variant Classification Process June 2021. Collection method: clinical testing. Allele origin: germline. Affected: yes.
Comment: Not observed in large population cohorts (Lek et al., 2016); In-frame deletion of 1 amino acids in a non-repeat region; In silico analysis, which includes protein predictors and evolutionary conservation, supports a deleterious effect; Has not been previously published as pathogenic or benign to our knowledge; Variants in candidate genes are classified as variants of uncertain significance in accordance with ACMG guidelines (Richards et al., 2015)

NM_197968.4(ZMYM2):c.3591AGA[1] (p.Glu1198del)

Gene: ZMYM2 (zinc finger MYM-type containing 2; plus strand). Cytogenetic location: 13q12.11.
Variant type: Microsatellite.
Coding change: c.3591AGA[1] on transcript NM_197968.4 (MANE Select); one copy of the 3-base unit AGA starting at c.3591; the reference has two copies in a row; one copy, 3 bases deleted.
Protein change: p.Glu1198del; deletes glutamic acid 1198.
Molecular consequence: inframe deletion. On other transcripts: non-coding transcript variant (1).
Genome position (GRCh38, 1-based): chr13:20,082,806-20,082,808, AGA deleted; deleting any 3 consecutive bases within chr13:20,082,801-20,082,808 gives the same sequence; the position shown is the placement nearest the transcript's 3' end. VCF-style (leftmost placement, unchanged base first): chr13-20082800-TGAA-T. GRCh37 (hg19) VCF-style: chr13-20656940-TGAA-T.
Other names: c.3591AGA[1], p.Glu1198del (NM_001190964.4, NM_001190965.4, NM_001353157.2 and 4 more transcripts); c.3396AGA[1], p.Glu1133del (NM_001353161.3); c.3330AGA[1], p.Glu1111del (NM_001353163.2); short protein forms E1111del, E1133del, E1198del.
Identifiers: ClinVar variation 1309160 (VCV001309160.2), dbSNP rs2141048458, ClinGen allele CA2575364683.